The following is an entry in ClinVar:

ClinVar aggregate classification (germline): Likely benign. Review status: criteria provided, multiple submitters, no conflicts (2 of 4 stars). 2 submissions from 2 submitters: Likely benign (2). Last evaluated 2026-05-29.

Conditions:
Epidermolysis bullosa simplex, Ogna type (EBS5A). Also called: Pidermolysis bullosa simplex 5A, Ogna type; EPIDERMOLYSIS BULLOSA SIMPLEX 5A, OGNA TYPE. Identifiers: Orphanet 79401, MedGen C0432317, MONDO:0007555, OMIM 131950.
Epidermolysis bullosa simplex with nail dystrophy (EBS5D). Identifiers: MedGen C4225309, MONDO:0014661, OMIM 616487.
Autosomal recessive limb-girdle muscular dystrophy type 2Q (LGMDR17). Also called: MUSCULAR DYSTROPHY, LIMB-GIRDLE, AUTOSOMAL RECESSIVE 17. Identifiers: Orphanet 254361, MedGen C3150989, MONDO:0013390, OMIM 613723.
Epidermolysis bullosa simplex 5B, with muscular dystrophy (EBS5B). Also called: EPIDERMOLYSIS BULLOSA SIMPLEX AND LIMB-GIRDLE MUSCULAR DYSTROPHY; Epidermolysis bullosa simplex with muscular dystrophy. Identifiers: Orphanet 257, MedGen C2931072, MONDO:0009181, OMIM 226670.
Epidermolysis bullosa simplex 5C, with pyloric atresia (EBS5C). Also called: Epidermolysis bullosa simplex with pyloric atresia; PLEC1-Related Epidermolysis Bullosa with Pyloric Atresia; PLEC-Related Epidermolysis Bullosa with Pyloric Atresia. Identifiers: Orphanet 158684, MedGen C2677349, MONDO:0012807, OMIM 612138.
PLEC-related disorder. Also called: PLEC-related condition; PLEC-related disorders.

Allele frequency attached by ClinVar (database versions not stated): ExAC 0.00007; ESP Exome Variant Server 0.00008; gnomAD exomes 0.00008 and 0.00010; TOPMed 0.00013; gnomAD 0.00014; 1000 Genomes Project 30x 0.00016; 1000 Genomes Project 0.00020.
gnomAD v4.1: 158 of 1,593,966 alleles (0.0099%); highest among the groups gnomAD compares: African/African-American, 0.017%; 1 homozygote.

Submissions (2):

PreventionGenetics, part of Exact Sciences
Classification: Likely benign for PLEC-related condition. Last evaluated: 2026-05-29. Review status: criteria provided, single submitter. Criteria: ACMG Guidelines, 2015. Collection method: clinical testing. Allele origin: germline.
Comment: This variant is classified as likely benign based on ACMG/AMP sequence variant interpretation guidelines (Richards et al. 2015 PMID: 25741868, with internal and published modifications).

Labcorp Genetics (formerly Invitae), Labcorp
Classification: Likely benign for Autosomal recessive limb-girdle muscular dystrophy type 2Q; Epidermolysis bullosa simplex, Ogna type; Epidermolysis bullosa simplex with nail dystrophy; Epidermolysis bullosa simplex 5C, with pyloric atresia; Epidermolysis bullosa simplex 5B, with muscular dystrophy. Last evaluated: 2026-01-23. Review status: criteria provided, single submitter. Criteria: Invitae Variant Classification Sherloc (09022015). Collection method: clinical testing. Allele origin: germline.

NM_201384.3(PLEC):c.9474C>T (p.Cys3158=)

Gene: PLEC (plectin; minus strand). Cytogenetic location: 8q24.3.
Variant type: single nucleotide variant.
Coding change: c.9474C>T on transcript NM_201384.3 (MANE Select); coding-DNA position 9474, C replaced by T.
Protein change: p.Cys3158=; no amino-acid change (cysteine 3158 retained).
Molecular consequence: synonymous variant.
Genome position (GRCh38, 1-based): chr8:143,920,347, G>A on the plus strand (C>T on the coding strand, the complement: PLEC is on the minus strand). VCF-style: chr8-143920347-G-A. GRCh37 (hg19) VCF-style: chr8-144994515-G-A.
Other names: c.9555C>T, p.Cys3185= (NM_000445.5); c.9432C>T, p.Cys3144= (NM_201378.4); c.9408C>T, p.Cys3136= (NM_201379.3); c.9885C>T, p.Cys3295= (NM_201380.4); c.9378C>T, p.Cys3126= (NM_201381.3); c.9474C>T, p.Cys3158= (NM_201382.4); c.9486C>T, p.Cys3162= (NM_201383.3); c.9555C>T (NM_000445.4).
Identifiers: ClinVar variation 1588811 (VCV001588811.9), dbSNP rs370008243, ClinGen allele CA4924959.
Genomic context (GRCh38, chr8:143,920,347, plus strand): 5'-GGCGTCGGCCCTTGGTGCCGACAGGGCCCTGCTGGTCTCCTCATCCAGGCAGCCTCGGGC[G>A]CAGGCGACATCCAGGGGCACGCGGTGGCTCTTGCTGGGGTCCACGATGCCGCCCGTGGAC-3'
Protein context (NP_958786.1, residues 3148-3168): KSHRVPLDVA[Cys3158=]ARGCLDEETS